The following is an entry in ClinVar:

NM_001135649.3(FOXI3):c.1121A>G (p.Asn374Ser)

Gene: FOXI3 (forkhead box I3; minus strand). Cytogenetic location: 2p11.2.
Variant type: single nucleotide variant.
Coding change: c.1121A>G on transcript NM_001135649.3 (MANE Select); coding-DNA position 1121, A replaced by G.
Protein change: p.Asn374Ser; replaces asparagine 374 with serine.
Molecular consequence: missense variant.
Genome position (GRCh38, 1-based): chr2:88,448,349, T>C on the plus strand (A>G on the coding strand, the complement: FOXI3 is on the minus strand). VCF-style: chr2-88448349-T-C. GRCh37 (hg19) VCF-style: chr2-88747868-T-C.
Other names: short protein forms N374S.
Identifiers: ClinVar variation 2787273 (VCV002787273.3), dbSNP rs1052680274, ClinGen allele CA51943828.

ClinVar aggregate classification (germline): Uncertain significance (1 of 4 stars; one submission).

Submission:

Labcorp Genetics (formerly Invitae), Labcorp
Classification: Uncertain significance. Last evaluated: 2025-03-26. Review status: criteria provided, single submitter. Criteria: Invitae Variant Classification Sherloc (09022015). Collection method: clinical testing. Allele origin: germline.
Comment: This sequence change replaces asparagine, which is neutral and polar, with serine, which is neutral and polar, at codon 374 of the FOXI3 protein (p.Asn374Ser). This variant is present in population databases (no rsID available, gnomAD 0.02%). This variant has not been reported in the literature in individuals affected with FOXI3-related conditions. ClinVar contains an entry for this variant (Variation ID: 2787273). An algorithm developed to predict the effect of missense changes on protein structure and function outputs the following: PolyPhen-2: "Not Available". The serine amino acid residue is found in multiple mammalian species, which suggests that this missense change does not adversely affect protein function. In summary, the available evidence is currently insufficient to determine the role of this variant in disease. Therefore, it has been classified as a Variant of Uncertain Significance.